The following is an entry in ClinVar:

ClinVar aggregate classification (germline): Likely pathogenic (1 of 4 stars; one submission).

Conditions:
Jeune thoracic dystrophy. Also called: Jeune syndrome; Infantile thoracic dystrophy; Thoracic pelvic phalangeal dystrophy; Jeune's syndrome; Chondroectodermal dysplasia-like syndrome; Short-rib thoracic dysplasia. Identifiers: Orphanet 474, MedGen C0265275, MONDO:0018770.

Submission:

Labcorp Genetics (formerly Invitae), Labcorp
Classification: Likely pathogenic for Jeune thoracic dystrophy. Last evaluated: 2020-12-27. Review status: criteria provided, single submitter. Criteria: Invitae Variant Classification Sherloc (09022015). Collection method: clinical testing. Allele origin: germline.
Comment: In summary, the currently available evidence indicates that the variant is pathogenic, but additional data are needed to prove that conclusively. Therefore, this variant has been classified as Likely Pathogenic. Algorithms developed to predict the effect of sequence changes on RNA splicing suggest that this variant may disrupt the consensus splice site, but this prediction has not been confirmed by published transcriptional studies. This variant has not been reported in the literature in individuals with DYNC2H1-related conditions. This variant is not present in population databases (ExAC no frequency). This sequence change affects a donor splice site in intron 65 of the DYNC2H1 gene. It is expected to disrupt RNA splicing. Variants that disrupt the donor or acceptor splice site typically lead to a loss of protein function (PMID: 16199547), and loss-of-function variants in DYNC2H1 are known to be pathogenic (PMID: 23339108, 32753734).

Literature cited by the submitters: PubMed 16199547; PubMed 23339108; PubMed 32753734.

NM_001377.3(DYNC2H1):c.9918+1G>T

Gene: DYNC2H1 (dynein cytoplasmic 2 heavy chain 1; plus strand). Cytogenetic location: 11q22.3.
Variant type: single nucleotide variant.
Coding change: c.9918+1G>T on transcript NM_001377.3 (MANE Select); the canonical splice donor site of the intron after coding-DNA position 9918, G replaced by T.
Molecular consequence: splice donor variant.
Genome position (GRCh38, 1-based): chr11:103,243,792, G>T. VCF-style: chr11-103243792-G-T. GRCh37 (hg19) VCF-style: chr11-103114521-G-T.
Other names: c.9939+1G>T (NM_001080463.2).
Identifiers: ClinVar variation 1465632 (VCV001465632.8), dbSNP rs772732648, ClinGen allele CA382245553.
Genomic context (GRCh38, chr11:103,243,792, plus strand): 5'-GCTACAGAGTGGTTAAAAACACATTTGAAAGACTCACGTTTAGAAGTTATCAATCAGCAG[G>T]TATGTATTATTTATAATTTACATACCAATTAGGAATGACCTCTTATAGTGAAAAGATCTT-3'